The following is an entry in ClinVar:

NM_000101.4(CYBA):c.370-11G>A

Gene: CYBA (cytochrome b-245 alpha chain; minus strand). Cytogenetic location: 16q24.2.
Variant type: single nucleotide variant.
Coding change: c.370-11G>A on transcript NM_000101.4 (MANE Select); 11 bases into the intron before coding-DNA position 370, G replaced by A.
Molecular consequence: intron variant.
Genome position (GRCh38, 1-based): chr16:88,643,582, C>T on the plus strand (G>A on the coding strand, the complement: CYBA is on the minus strand). VCF-style: chr16-88643582-C-T. GRCh37 (hg19) VCF-style: chr16-88709990-C-T.
Identifiers: ClinVar variation 2162267 (VCV002162267.4), dbSNP rs1022796292, ClinGen allele CA286348489.

ClinVar aggregate classification (germline): Uncertain significance (1 of 4 stars; one submission).

Conditions:
Granulomatous disease, chronic, autosomal recessive, cytochrome b-negative. Also called: CGD DUE TO DEFICIENCY OF THE ALPHA SUBUNIT OF CYTOCHROME b; CGD, AUTOSOMAL RECESSIVE CYTOCHROME b-NEGATIVE; GRANULOMATOUS DISEASE, CHRONIC, AUTOSOMAL RECESSIVE, 4; Chronic granulomatous disease, autosomal, due to deficiency of CYBA; CYBA DEFICIENCY. Identifiers: Orphanet 379, MedGen C1856255, MONDO:0009308, OMIM 233690.

Allele frequency attached by ClinVar (database versions not stated): gnomAD exomes below 0.00001.
gnomAD v4.1: 2 of 1,531,958 alleles (0.00013%); highest among the groups gnomAD compares: Admixed American, 0.0039%; no homozygotes.

Submission:

Labcorp Genetics (formerly Invitae), Labcorp
Classification: Uncertain significance for Granulomatous disease, chronic, autosomal recessive, cytochrome b-negative. Last evaluated: 2023-08-17. Review status: criteria provided, single submitter. Criteria: Invitae Variant Classification Sherloc (09022015). Collection method: clinical testing. Allele origin: germline.
Comment: This sequence change falls in intron 5 of the CYBA gene. It does not directly change the encoded amino acid sequence of the CYBA protein. The frequency data for this variant in the population databases is considered unreliable, as metrics indicate poor data quality at this position in the gnomAD database. This variant has not been reported in the literature in individuals affected with CYBA-related conditions. ClinVar contains an entry for this variant (Variation ID: 2162267). Algorithms developed to predict the effect of sequence changes on RNA splicing suggest that this variant may disrupt the consensus splice site. In summary, the available evidence is currently insufficient to determine the role of this variant in disease. Therefore, it has been classified as a Variant of Uncertain Significance.